The following is an entry in ClinVar:

NM_033305.3(VPS13A):c.1654_1655insAAAAGAAAAAAGT (p.Pro552fs)

Gene: VPS13A (vacuolar protein sorting 13 homolog A; plus strand). Cytogenetic location: 9q21.2.
Variant type: Insertion.
Coding change: c.1654_1655insAAAAGAAAAAAGT on transcript NM_033305.3 (MANE Select); coding-DNA positions 1654 to 1655, AAAAGAAAAAAGT inserted.
Protein change: p.Pro552fs; shifts the reading frame from proline 552.
Molecular consequence: frameshift variant.
Genome position: GRCh38 VCF-style: chr9-77238060-C-CAAAAGAAAAAAGT. GRCh37 (hg19) VCF-style: chr9-79852976-C-CAAAAGAAAAAAGT.
Other names: c.1654_1655insAAAAGAAAAAAGT, p.Pro552fs (NM_001018037.2, NM_001018038.3, NM_015186.4); short protein forms P552fs.
Identifiers: ClinVar variation 5010878 (VCV005010878.1).

ClinVar aggregate classification (germline): Pathogenic (1 of 4 stars; one submission).

Conditions:
VPS13A-related neurodegenerative disease. Also called: ACANTHOCYTOSIS WITH NEUROLOGIC DISORDER; LEVINE-CRITCHLEY SYNDROME; Choreoacanthocytosis; Chorea-acanthocytosis; Choreaacanthocytosis; VPS13A Disease. Identifiers: Orphanet 2388, MedGen C0393576, MONDO:0008695, OMIM 200150.

Submission:

Myriad Genetics, Inc.
Classification: Pathogenic for VPS13A-related neurodegenerative disease. Last evaluated: 2024-05-14. Review status: criteria provided, single submitter. Criteria: Myriad Autosomal Dominant, Autosomal Recessive and X-Linked Classification Criteria (2023). Collection method: clinical testing. Allele origin: unknown.
Comment: NM_033305.2(VPS13A):c.1654_1655ins13(P552Qfs*13) is expected to be pathogenic in the context of VPS13A disease. This variant is predicted to lead to an abnormal or absent protein product due to the creation of a premature termination codon in VPS13A, a gene where loss-of-function variants are known to be pathogenic. Please note: this variant was assessed in the context of healthy population screening.